The following is an entry in ClinVar:

NM_020971.3(SPTBN4):c.261G>A (p.Val87=)

Gene: SPTBN4 (spectrin beta, non-erythrocytic 4; plus strand). Cytogenetic location: 19q13.2.
Variant type: single nucleotide variant.
Coding change: c.261G>A on transcript NM_020971.3 (MANE Select); coding-DNA position 261, G replaced by A.
Protein change: p.Val87=; no amino-acid change (valine 87 retained).
Molecular consequence: synonymous variant.
Genome position (GRCh38, 1-based): chr19:40,487,788, G>A. VCF-style: chr19-40487788-G-A. GRCh37 (hg19) VCF-style: chr19-40993695-G-A.
Identifiers: ClinVar variation 4989785 (VCV004989785.1).

ClinVar aggregate classification (germline): Likely benign (1 of 4 stars; one submission).

Conditions:
SPTBN4-related disorder. Also called: SPTBN4-related condition.

gnomAD v4.1: 32 of 1,612,380 alleles (0.002%); highest among the groups gnomAD compares: Admixed American, 0.033%; no homozygotes.

Submission:

PreventionGenetics, part of Exact Sciences
Classification: Likely benign for SPTBN4-related condition. Last evaluated: 2025-06-03. Review status: criteria provided, single submitter. Criteria: ACMG Guidelines, 2015. Collection method: clinical testing. Allele origin: germline.
Comment: This variant is classified as likely benign based on ACMG/AMP sequence variant interpretation guidelines (Richards et al. 2015 PMID: 25741868, with internal and published modifications).